The following is an entry in ClinVar:

NM_001377530.1(DMBT1):c.5276T>C (p.Leu1759Ser)

Gene: DMBT1 (deleted in malignant brain tumors 1; plus strand). Cytogenetic location: 10q26.13.
Variant type: single nucleotide variant.
Coding change: c.5276T>C on transcript NM_001377530.1 (MANE Select); coding-DNA position 5276, T replaced by C.
Protein change: p.Leu1759Ser; replaces leucine 1759 with serine.
Molecular consequence: missense variant.
Genome position (GRCh38, 1-based): chr10:122,620,283, T>C. VCF-style: chr10-122620283-T-C. GRCh37 (hg19) VCF-style: chr10-124379799-T-C.
Other names: c.4889T>C, p.Leu1630Ser (NM_001320644.2, NM_007329.3); c.3005T>C, p.Leu1002Ser (NM_004406.3); c.4859T>C, p.Leu1620Ser (NM_017579.3); short protein forms L1002S, L1620S, L1630S, L1759S.
Identifiers: ClinVar variation 730867 (VCV000730867.7), dbSNP rs187427297, ClinGen allele CA5727845.
Genomic context (GRCh38, chr10:122,620,283, plus strand): 5'-TTTGTCCTTTCTCTTTGTTGCAATTTACAGATACTTGGCTGACCACCAACTTACCGGCAT[T>C]GACAGTAGGTAAATAATCCTCTCGCCCCTCCCTAGGGCTCACTCTCTACCTCTGGACAAA-3'
Protein context (NP_001364459.1, residues 1749-1769): DTWLTTNLPA[Leu1759Ser]TVGSESSLAL

ClinVar aggregate classification (germline): Benign/Likely benign. Review status: criteria provided, multiple submitters, no conflicts (2 of 4 stars). 3 submissions from 3 submitters: Benign (1); Likely benign (1). 1 of the submissions does not count toward it. Last evaluated 2025-08-01.

Conditions:
DMBT1-related disorder. Also called: DMBT1-related condition.

Allele frequency attached by ClinVar (database versions not stated): gnomAD exomes 0.00032 and 0.00077; ExAC 0.00105; 1000 Genomes Project 30x 0.00250; 1000 Genomes Project 0.00280; gnomAD 0.00324 and 0.00336; ESP Exome Variant Server 0.00343; TOPMed 0.00372.
gnomAD v4.1: 957 of 1,614,012 alleles (0.059%); highest among the groups gnomAD compares: African/African-American, 1%; 4 homozygotes.

Submissions (3):

Ambry Genetics
Classification: Likely benign. Last evaluated: 2025-08-01. Review status: criteria provided, single submitter. Criteria: Ambry Variant Classification Scheme 2023. Collection method: clinical testing. Allele origin: germline.

Labcorp Genetics (formerly Invitae), Labcorp
Classification: Benign. Last evaluated: 2019-12-31. Review status: criteria provided, single submitter. Criteria: Invitae Variant Classification Sherloc (09022015). Collection method: clinical testing. Allele origin: germline.

PreventionGenetics, part of Exact Sciences
Classification: Benign for DMBT1-related condition. Last evaluated: 2019-04-01. Review status: no assertion criteria provided. Collection method: clinical testing. Allele origin: germline. Not counted in ClinVar's aggregate classification.
Comment: This variant is classified as benign based on ACMG/AMP sequence variant interpretation guidelines (Richards et al. 2015 PMID: 25741868, with internal and published modifications).